The following is an entry in ClinVar:

NM_000038.6(APC):c.8169C>G (p.Asn2723Lys)

Gene: APC (APC regulator of Wnt signaling pathway; plus strand). Cytogenetic location: 5q22.2.
Variant type: single nucleotide variant.
Coding change: c.8169C>G on transcript NM_000038.6 (MANE Select); coding-DNA position 8169, C replaced by G.
Protein change: p.Asn2723Lys; replaces asparagine 2723 with lysine.
Molecular consequence: missense variant.
Genome position (GRCh38, 1-based): chr5:112,843,763, C>G. VCF-style: chr5-112843763-C-G. GRCh37 (hg19) VCF-style: chr5-112179460-C-G.
Other names: c.8169C>G, p.Asn2723Lys (NM_001127510.3, NM_001354895.2, NM_001407450.1); c.8115C>G, p.Asn2705Lys (NM_001127511.3); c.8223C>G, p.Asn2741Lys (NM_001354896.2, NM_001407447.1, NM_001407448.1 and 1 more transcripts); c.8199C>G, p.Asn2733Lys (NM_001354897.2); c.8094C>G, p.Asn2698Lys (NM_001354898.2); c.8085C>G, p.Asn2695Lys (NM_001354899.2); c.8046C>G, p.Asn2682Lys (NM_001354900.2); c.7992C>G, p.Asn2664Lys (NM_001354901.2, NM_001407453.1); and 11 more; short protein forms N2597K, N2682K, N2695K, N2594K, N2632K, N2723K, N2741K, N2563K.
Identifiers: ClinVar variation 1762249 (VCV001762249.2), dbSNP rs2150000352, ClinGen allele CA16039064.

ClinVar aggregate classification (germline): Uncertain significance (1 of 4 stars; one submission).

Conditions:
Hereditary cancer-predisposing syndrome. Also called: Neoplastic Syndromes, Hereditary; Tumor predisposition; Hereditary Cancer Syndrome; Hereditary neoplastic syndrome. Identifiers: Orphanet 140162, MedGen C0027672, MeSH D009386, MONDO:0015356.

Submission:

Ambry Genetics
Classification: Uncertain significance for Hereditary cancer-predisposing syndrome. Last evaluated: 2021-01-13. Review status: criteria provided, single submitter. Criteria: Ambry Variant Classification Scheme 2023. Collection method: clinical testing. Allele origin: germline.
Comment: The p.N2723K variant (also known as c.8169C>G), located in coding exon 15 of the APC gene, results from a C to G substitution at nucleotide position 8169. The asparagine at codon 2723 is replaced by lysine, an amino acid with similar properties. This amino acid position is highly conserved in available vertebrate species. In addition, in silico predictors for this gene do not accurately predict pathogenicity. Since supporting evidence is limited at this time, the clinical significance of this alteration remains unclear.